The following is an entry in ClinVar:

ClinVar aggregate classification (germline): Likely benign. Review status: criteria provided, multiple submitters, no conflicts (2 of 4 stars). 2 submissions from 2 submitters: Likely benign (2). Last evaluated 2026-02-01.

Conditions:
Inborn genetic diseases. Identifiers: MedGen C0950123, MeSH D030342.

Allele frequency attached by ClinVar (database versions not stated): gnomAD exomes 0.00008; ExAC 0.00010; TOPMed 0.00011.
gnomAD v4.1: 140 of 1,614,126 alleles (0.0087%); highest among the groups gnomAD compares: Middle Eastern, 0.049%; 1 homozygote.

Submissions (2):

CeGaT Center for Human Genetics Tuebingen
Classification: Likely benign. Last evaluated: 2026-02-01. Review status: criteria provided, single submitter. Criteria: CeGaT Center For Human Genetics Tuebingen Variant Classification Criteria Version 2. Collection method: clinical testing. Allele origin: germline. Affected: yes. Observed: 5 variant alleles.
Comment: MAP1B: BP4

Ambry Genetics
Classification: Likely benign for Inborn genetic diseases. Last evaluated: 2022-05-11. Review status: criteria provided, single submitter. Criteria: Ambry Variant Classification Scheme 2023. Collection method: clinical testing. Allele origin: germline.

NM_005909.5(MAP1B):c.2380G>C (p.Ala794Pro)

Gene: MAP1B (microtubule associated protein 1B; plus strand). Cytogenetic location: 5q13.2.
Variant type: single nucleotide variant.
Coding change: c.2380G>C on transcript NM_005909.5 (MANE Select); coding-DNA position 2380, G replaced by C.
Protein change: p.Ala794Pro; replaces alanine 794 with proline.
Molecular consequence: missense variant.
Genome position (GRCh38, 1-based): chr5:72,195,735, G>C. VCF-style: chr5-72195735-G-C. GRCh37 (hg19) VCF-style: chr5-71491562-G-C.
Other names: c.2002G>C, p.Ala668Pro (NM_001324255.2); c.2380G>C (NM_005909.3); short protein forms A668P, A794P.
Identifiers: ClinVar variation 2655515 (VCV002655515.25), dbSNP rs199792777, ClinGen allele CA3298812.